The following is an entry in ClinVar:

NM_000085.5(CLCNKB):c.632_633del (p.Thr211fs)

Genes: CLCNKB (chloride voltage-gated channel Kb; plus strand), LOC106501713 (CLCNKB recombination region; plus strand). Cytogenetic location: 1p36.13.
Variant type: Microsatellite.
Coding change: c.632_633del on transcript NM_000085.5 (MANE Select); coding-DNA positions 632 to 633, 2 bases deleted (CA; older notation c.632_633delCA).
Protein change: p.Thr211fs; shifts the reading frame from threonine 211.
Molecular consequence: frameshift variant.
Genome position (GRCh38, 1-based): chr1:16,048,559-16,048,560, CA deleted; deleting any 2 consecutive bases within chr1:16,048,557-16,048,560 gives the same sequence; the c. name uses the placement nearest the transcript's 3' end. VCF-style (leftmost placement, unchanged base first): chr1-16048556-CCA-C. GRCh37 (hg19) VCF-style: chr1-16375051-CCA-C.
Other names: short protein forms T211fs.
Identifiers: ClinVar variation 2881305 (VCV002881305.3), dbSNP rs2524377897, ClinGen allele CA2643563344.

ClinVar aggregate classification (germline): Pathogenic (1 of 4 stars; one submission).

Submission:

Labcorp Genetics (formerly Invitae), Labcorp
Classification: Pathogenic. Last evaluated: 2025-08-15. Review status: criteria provided, single submitter. Criteria: Invitae Variant Classification Sherloc (09022015). Collection method: clinical testing. Allele origin: germline.
Comment: This sequence change creates a premature translational stop signal (p.Thr211Serfs*70) in the CLCNKB gene. It is expected to result in an absent or disrupted protein product. Loss-of-function variants in CLCNKB are known to be pathogenic (PMID: 24830959, 26920127, 28381550, 29254190). This variant is not present in population databases (gnomAD no frequency). This variant has not been reported in the literature in individuals affected with CLCNKB-related conditions. For these reasons, this variant has been classified as Pathogenic.

Literature cited by the submitters: PubMed 24830959; PubMed 26920127; PubMed 28381550; PubMed 29254190.